The following is an entry in ClinVar:

ClinVar aggregate classification (germline): Likely pathogenic (1 of 4 stars; one submission).

Conditions:
Immunodeficiency 104. Also called: Severe combined immunodeficiency, autosomal recessive, T cell-negative, B cell-positive, NK cell-positive; Severe Combined Immune Deficiency, Autosomal Recessive, TCell -Negative, B Cell-Positive, NK Cell-Positive, IL7R-Related; SCID, AUTOSOMAL RECESSIVE, T CELL-NEGATIVE, B CELL-POSITIVE, NK CELL-POSITIVE; IMMUNODEFICIENCY 104, SEVERE COMBINED. Identifiers: MedGen C5676890, MONDO:0012163, OMIM 608971.

Submission:

Labcorp Genetics (formerly Invitae), Labcorp
Classification: Likely pathogenic for Immunodeficiency 104. Last evaluated: 2023-12-11. Review status: criteria provided, single submitter. Criteria: Invitae Variant Classification Sherloc (09022015). Collection method: clinical testing. Allele origin: germline.
Comment: This sequence change affects a donor splice site in intron 29 of the PTPRC gene. It is expected to disrupt RNA splicing. Variants that disrupt the donor or acceptor splice site typically lead to a loss of protein function (PMID: 16199547), and loss-of-function variants in PTPRC are known to be pathogenic (PMID: 10700239). This variant is not present in population databases (gnomAD no frequency). This variant has not been reported in the literature in individuals affected with PTPRC-related conditions. Algorithms developed to predict the effect of sequence changes on RNA splicing suggest that this variant may disrupt the consensus splice site. In summary, the currently available evidence indicates that the variant is pathogenic, but additional data are needed to prove that conclusively. Therefore, this variant has been classified as Likely Pathogenic.

Literature cited by the submitters: PubMed 16199547; PubMed 10700239.

NM_002838.5(PTPRC):c.3207+2T>A

Gene: PTPRC (protein tyrosine phosphatase receptor type C; plus strand). Cytogenetic location: 1q32.1.
Variant type: single nucleotide variant.
Coding change: c.3207+2T>A on transcript NM_002838.5 (MANE Select); the canonical splice donor site of the intron after coding-DNA position 3207, T replaced by A.
Molecular consequence: splice donor variant.
Genome position (GRCh38, 1-based): chr1:198,750,628, T>A. VCF-style: chr1-198750628-T-A. GRCh37 (hg19) VCF-style: chr1-198719757-T-A.
Other names: c.2724+2T>A (NM_080921.4).
Identifiers: ClinVar variation 2818777 (VCV002818777.3), dbSNP rs2528037788, ClinGen allele CA344054207.